The following is an entry in ClinVar:

ClinVar aggregate classification (germline): Uncertain significance (1 of 4 stars; one submission).

Allele frequency attached by ClinVar (database versions not stated): ExAC 0.00001.
gnomAD v4.1: 1 of 1,613,780 alleles (0.000062%); highest among the groups gnomAD compares: Non-Finnish European, 0.000085%; no homozygotes.

Submission:

Labcorp Genetics (formerly Invitae), Labcorp
Classification: Uncertain significance. Last evaluated: 2022-08-16. Review status: criteria provided, single submitter. Criteria: Invitae Variant Classification Sherloc (09022015). Collection method: clinical testing. Allele origin: germline.
Comment: ClinVar contains an entry for this variant (Variation ID: 1462316). Advanced modeling of protein sequence and biophysical properties (such as structural, functional, and spatial information, amino acid conservation, physicochemical variation, residue mobility, and thermodynamic stability) performed at Invitae indicates that this missense variant is not expected to disrupt FAT4 protein function. In summary, the available evidence is currently insufficient to determine the role of this variant in disease. Therefore, it has been classified as a Variant of Uncertain Significance. This variant has not been reported in the literature in individuals affected with FAT4-related conditions. This variant is present in population databases (rs756400976, gnomAD 0.003%). This sequence change replaces tyrosine, which is neutral and polar, with cysteine, which is neutral and slightly polar, at codon 233 of the FAT4 protein (p.Tyr233Cys).

NM_001291303.3(FAT4):c.698A>G (p.Tyr233Cys)

Gene: FAT4 (FAT atypical cadherin 4; plus strand). Cytogenetic location: 4q28.1.
Variant type: single nucleotide variant.
Coding change: c.698A>G on transcript NM_001291303.3 (MANE Select); coding-DNA position 698, A replaced by G.
Protein change: p.Tyr233Cys; replaces tyrosine 233 with cysteine.
Molecular consequence: missense variant.
Genome position (GRCh38, 1-based): chr4:125,317,109, A>G. VCF-style: chr4-125317109-A-G. GRCh37 (hg19) VCF-style: chr4-126238264-A-G.
Other names: c.698A>G, p.Tyr233Cys (NM_001291285.3, NM_024582.6); short protein forms Y233C.
Identifiers: ClinVar variation 1462316 (VCV001462316.8), dbSNP rs756400976, ClinGen allele CA3071845.